The following is an entry in ClinVar:

NM_001040108.2(MLH3):c.1008C>A (p.Leu336=)

Gene: MLH3 (mutL homolog 3; minus strand). Cytogenetic location: 14q24.3.
Variant type: single nucleotide variant.
Coding change: c.1008C>A on transcript NM_001040108.2 (MANE Select); coding-DNA position 1008, C replaced by A.
Protein change: p.Leu336=; no amino-acid change (leucine 336 retained).
Molecular consequence: synonymous variant.
Genome position (GRCh38, 1-based): chr14:75,048,648, G>T on the plus strand (C>A on the coding strand, the complement: MLH3 is on the minus strand). VCF-style: chr14-75048648-G-T. GRCh37 (hg19) VCF-style: chr14-75515351-G-T.
Other names: c.1008C>A, p.Leu336= (NM_014381.3).
Identifiers: ClinVar variation 1790130 (VCV001790130.3), dbSNP rs2139591586, ClinGen allele CA487274094.

ClinVar aggregate classification (germline): Benign/Likely benign. Review status: criteria provided, multiple submitters, no conflicts (2 of 4 stars). 2 submissions from 2 submitters: Benign (1); Likely benign (1). Last evaluated 2026-09-22.

Conditions:
Colorectal cancer, hereditary nonpolyposis, type 7. Identifiers: Orphanet 144, MedGen C1858380, MONDO:0013725, OMIM 614385.

Submissions (2):

Myriad Genetics, Inc.
Classification: Benign for Colorectal cancer, hereditary nonpolyposis, type 7. Last evaluated: 2026-09-22. Review status: criteria provided, single submitter. Criteria: Myriad Autosomal Dominant, Autosomal Recessive and X-Linked Classification Criteria (2023). Collection method: clinical testing. Allele origin: unknown.
Comment: This variant is considered benign. This variant is a silent/synonymous amino acid change and it is not expected to impact splicing.

Ambry Genetics
Classification: Likely benign. Last evaluated: 2022-01-07. Review status: criteria provided, single submitter. Criteria: Ambry Variant Classification Scheme 2023. Collection method: clinical testing. Allele origin: germline.